The following is an entry in ClinVar:

ClinVar aggregate classification (germline): Likely benign (0 of 4 stars; one submission).

Conditions:
DLGAP2-related disorder. Also called: DLGAP2-related condition.

Allele frequency attached by ClinVar (database versions not stated): gnomAD exomes below 0.00001.
gnomAD v4.1: 4 of 1,611,354 alleles (0.00025%); highest among the groups gnomAD compares: African/African-American, 0.0013%; no homozygotes.

Submission:

PreventionGenetics, part of Exact Sciences
Classification: Likely benign for DLGAP2-related condition. Last evaluated: 2019-08-05. Review status: no assertion criteria provided. Collection method: clinical testing. Allele origin: germline.
Comment: This variant is classified as likely benign based on ACMG/AMP sequence variant interpretation guidelines (Richards et al. 2015 PMID: 25741868, with internal and published modifications).

NM_001346810.2(DLGAP2):c.819G>A (p.Lys273=)

Gene: DLGAP2 (DLG associated protein 2; plus strand). Cytogenetic location: 8p23.3.
Variant type: single nucleotide variant.
Coding change: c.819G>A on transcript NM_001346810.2 (MANE Select); coding-DNA position 819, G replaced by A.
Protein change: p.Lys273=; no amino-acid change (lysine 273 retained).
Molecular consequence: synonymous variant.
Genome position (GRCh38, 1-based): chr8:1,549,272, G>A. VCF-style: chr8-1549272-G-A. GRCh37 (hg19) VCF-style: chr8-1497438-G-A.
Identifiers: ClinVar variation 3034880 (VCV003034880.2), dbSNP rs2485852737, ClinGen allele CA459141805.